The following is an entry in ClinVar:

ClinVar aggregate classification (germline): Uncertain significance (1 of 4 stars; one submission).

Conditions:
Familial acute necrotizing encephalopathy (IIAE3). Also called: ENCEPHALOPATHY, ACUTE, INFECTION-INDUCED, SUSCEPTIBILITY TO, 3; Susceptibility to Acute Necrotizing Encephalopathy 1. Identifiers: Orphanet 88619, MedGen C2675556, MONDO:0011953, OMIM 608033.

Allele frequency attached by ClinVar (database versions not stated): gnomAD exomes below 0.00001.
gnomAD v4.1: 2 of 1,613,986 alleles (0.00012%); highest among the groups gnomAD compares: South Asian, 0.0022%; no homozygotes.

Submission:

Labcorp Genetics (formerly Invitae), Labcorp
Classification: Uncertain significance for Familial acute necrotizing encephalopathy. Last evaluated: 2020-03-10. Review status: criteria provided, single submitter. Criteria: Invitae Variant Classification Sherloc (09022015). Collection method: clinical testing. Allele origin: germline.
Comment: This sequence change replaces histidine with arginine at codon 1135 of the RANBP2 protein (p.His1135Arg). The histidine residue is moderately conserved and there is a small physicochemical difference between histidine and arginine. This variant is not present in population databases (ExAC no frequency). This variant has not been reported in the literature in individuals with RANBP2-related conditions. Algorithms developed to predict the effect of missense changes on protein structure and function output the following: SIFT: "Tolerated"; PolyPhen-2: "Benign"; Align-GVGD: "Class C0". The arginine amino acid residue is found in multiple mammalian species, suggesting that this missense change does not adversely affect protein function. These predictions have not been confirmed by published functional studies and their clinical significance is uncertain. In summary, the available evidence is currently insufficient to determine the role of this variant in disease. Therefore, it has been classified as a Variant of Uncertain Significance.

NM_006267.5(RANBP2):c.3404A>G (p.His1135Arg)

Gene: RANBP2 (RAN binding protein 2; plus strand). Cytogenetic location: 2q13.
Variant type: single nucleotide variant.
Coding change: c.3404A>G on transcript NM_006267.5 (MANE Select); coding-DNA position 3404, A replaced by G.
Protein change: p.His1135Arg; replaces histidine 1135 with arginine.
Molecular consequence: missense variant.
Genome position (GRCh38, 1-based): chr2:108,763,943, A>G. VCF-style: chr2-108763943-A-G. GRCh37 (hg19) VCF-style: chr2-109380399-A-G.
Other names: short protein forms H1135R.
Identifiers: ClinVar variation 1004000 (VCV001004000.9), dbSNP rs1412938756, ClinGen allele CA348061674.